The following is an entry in ClinVar:

ClinVar aggregate classification (germline): Uncertain significance (1 of 4 stars; one submission).

Allele frequency attached by ClinVar (database versions not stated): gnomAD exomes below 0.00001; ExAC 0.00001.
gnomAD v4.1: 1 of 1,614,142 alleles (0.000062%); highest among the groups gnomAD compares: East Asian, 0.0022%; no homozygotes.

Submission:

Labcorp Genetics (formerly Invitae), Labcorp
Classification: Uncertain significance. Last evaluated: 2022-06-22. Review status: criteria provided, single submitter. Criteria: Invitae Variant Classification Sherloc (09022015). Collection method: clinical testing. Allele origin: germline.
Comment: This variant has not been reported in the literature in individuals affected with MTHFD1-related conditions. In summary, the available evidence is currently insufficient to determine the role of this variant in disease. Therefore, it has been classified as a Variant of Uncertain Significance. Algorithms developed to predict the effect of missense changes on protein structure and function are either unavailable or do not agree on the potential impact of this missense change (SIFT: "Deleterious"; PolyPhen-2: "Benign"; Align-GVGD: "Class C0"). This variant is present in population databases (rs753088926, gnomAD 0.006%). This sequence change replaces methionine, which is neutral and non-polar, with isoleucine, which is neutral and non-polar, at codon 221 of the MTHFD1 protein (p.Met221Ile).

NM_005956.4(MTHFD1):c.663G>A (p.Met221Ile)

Gene: MTHFD1 (methylenetetrahydrofolate dehydrogenase, cyclohydrolase and formyltetrahydrofolate synthetase 1; plus strand). Cytogenetic location: 14q23.3.
Variant type: single nucleotide variant.
Coding change: c.663G>A on transcript NM_005956.4 (MANE Select); coding-DNA position 663, G replaced by A.
Protein change: p.Met221Ile; replaces methionine 221 with isoleucine.
Molecular consequence: missense variant.
Genome position (GRCh38, 1-based): chr14:64,419,861, G>A. VCF-style: chr14-64419861-G-A. GRCh37 (hg19) VCF-style: chr14-64886579-G-A.
Other names: c.663G>A, p.Met221Ile (NM_001364837.1); short protein forms M221I.
Identifiers: ClinVar variation 2009199 (VCV002009199.2), dbSNP rs753088926, ClinGen allele CA7226007.